The following is an entry in ClinVar:

ClinVar aggregate classification (germline): Uncertain significance (1 of 4 stars; one submission).

Allele frequency attached by ClinVar (database versions not stated): gnomAD exomes below 0.00001.
gnomAD v4.1: 5 of 1,614,192 alleles (0.00031%); highest among the groups gnomAD compares: East Asian, 0.0045%; no homozygotes.

Submission:

Labcorp Genetics (formerly Invitae), Labcorp
Classification: Uncertain significance. Last evaluated: 2024-01-25. Review status: criteria provided, single submitter. Criteria: Invitae Variant Classification Sherloc (09022015). Collection method: clinical testing. Allele origin: germline.
Comment: This sequence change replaces threonine, which is neutral and polar, with isoleucine, which is neutral and non-polar, at codon 197 of the ABCA3 protein (p.Thr197Ile). This variant is present in population databases (no rsID available, gnomAD 0.006%). This variant has not been reported in the literature in individuals affected with ABCA3-related conditions. An algorithm developed to predict the effect of missense changes on protein structure and function (PolyPhen-2) suggests that this variant is likely to be tolerated. In summary, the available evidence is currently insufficient to determine the role of this variant in disease. Therefore, it has been classified as a Variant of Uncertain Significance.

NM_001089.3(ABCA3):c.590C>T (p.Thr197Ile)

Gene: ABCA3 (ATP binding cassette subfamily A member 3; minus strand). Cytogenetic location: 16p13.3.
Variant type: single nucleotide variant.
Coding change: c.590C>T on transcript NM_001089.3 (MANE Select); coding-DNA position 590, C replaced by T.
Protein change: p.Thr197Ile; replaces threonine 197 with isoleucine.
Molecular consequence: missense variant.
Genome position (GRCh38, 1-based): chr16:2,323,546, G>A on the plus strand (C>T on the coding strand, the complement: ABCA3 is on the minus strand). VCF-style: chr16-2323546-G-A. GRCh37 (hg19) VCF-style: chr16-2373547-G-A.
Other names: short protein forms T197I.
Identifiers: ClinVar variation 2797152 (VCV002797152.3), dbSNP rs1252333475, ClinGen allele CA394349027.